The following is an entry in ClinVar:

ClinVar aggregate classification (germline): Uncertain significance (1 of 4 stars; one submission).

Conditions:
Inborn genetic diseases. Identifiers: MedGen C0950123, MeSH D030342.

Submission:

Ambry Genetics
Classification: Uncertain significance for Inborn genetic diseases. Last evaluated: 2024-01-16. Review status: criteria provided, single submitter. Criteria: Ambry Variant Classification Scheme 2023. Collection method: clinical testing. Allele origin: germline.
Comment: The p.A2415E variant (also known as c.7244C>A), located in coding exon 43 of the ATR gene, results from a C to A substitution at nucleotide position 7244. The alanine at codon 2415 is replaced by glutamic acid, an amino acid with dissimilar properties. This amino acid position is conserved. In addition, this alteration is predicted to be tolerated by in silico analysis. Since supporting evidence is limited at this time, the clinical significance of this alteration remains unclear.

NM_001184.4(ATR):c.7244C>A (p.Ala2415Glu)

Gene: ATR (ATR checkpoint kinase; minus strand). Cytogenetic location: 3q23.
Variant type: single nucleotide variant.
Coding change: c.7244C>A on transcript NM_001184.4 (MANE Select); coding-DNA position 7244, C replaced by A.
Protein change: p.Ala2415Glu; replaces alanine 2415 with glutamic acid.
Molecular consequence: missense variant.
Genome position (GRCh38, 1-based): chr3:142,459,332, G>T on the plus strand (C>A on the coding strand, the complement: ATR is on the minus strand). VCF-style: chr3-142459332-G-T. GRCh37 (hg19) VCF-style: chr3-142178174-G-T.
Other names: c.7052C>A, p.Ala2351Glu (NM_001354579.2); short protein forms A2351E, A2415E.
Identifiers: ClinVar variation 3221285 (VCV003221285.1), dbSNP rs2108261833, ClinGen allele CA354797832.